The following is an entry in ClinVar:

ClinVar aggregate classification (germline): Conflicting classifications of pathogenicity. Review status: criteria provided, conflicting classifications (1 of 4 stars). 2 submissions from 2 submitters: Uncertain significance (1); Likely benign (1). Last evaluated 2023-09-20.

Conditions:
Hereditary cancer-predisposing syndrome. Also called: Tumor predisposition; Neoplastic Syndromes, Hereditary; Hereditary Cancer Syndrome; Hereditary neoplastic syndrome. Identifiers: Orphanet 140162, MedGen C0027672, MeSH D009386, MONDO:0015356.

Submissions (2):

Ambry Genetics
Classification: Uncertain significance for Hereditary cancer-predisposing syndrome. Last evaluated: 2023-09-20. Review status: criteria provided, single submitter. Criteria: Ambry Variant Classification Scheme 2023. Collection method: clinical testing. Allele origin: germline.
Comment: The p.V1068A variant (also known as c.3203T>C), located in coding exon 10 of the BRCA2 gene, results from a T to C substitution at nucleotide position 3203. The valine at codon 1068 is replaced by alanine, an amino acid with similar properties. This amino acid position is not well conserved in available vertebrate species. In addition, this alteration is predicted to be tolerated by in silico analysis. Since supporting evidence is limited at this time, the clinical significance of this alteration remains unclear.

University of Washington Department of Laboratory Medicine, University of Washington
Classification: Likely benign for Hereditary cancer-predisposing syndrome. Last evaluated: 2023-03-23. Review status: criteria provided, single submitter. Criteria: Dines et al. (Genet Med. 2020). Collection method: curation. Allele origin: germline.
Comment: Missense variant in a coldspot region where missense variants are very unlikely to be pathogenic (PMID:31911673).

BRCA2 exon 11 coldspot. Reclassification based on statistical prior probability.

NM_000059.4(BRCA2):c.3203T>C (p.Val1068Ala)

Gene: BRCA2 (BRCA2 DNA repair associated; plus strand). Cytogenetic location: 13q13.1.
Variant type: single nucleotide variant.
Coding change: c.3203T>C on transcript NM_000059.4 (MANE Select); coding-DNA position 3203, T replaced by C.
Protein change: p.Val1068Ala; replaces valine 1068 with alanine.
Molecular consequence: missense variant.
Genome position (GRCh38, 1-based): chr13:32,337,558, T>C. VCF-style: chr13-32337558-T-C. GRCh37 (hg19) VCF-style: chr13-32911695-T-C.
Other names: c.3203T>C, p.Val1068Ala (NM_001406719.1, NM_001406720.1); short protein forms V1068A.
Identifiers: ClinVar variation 1728846 (VCV001728846.4), dbSNP rs2137494278, ClinGen allele CA387775869.